The following is an entry in ClinVar:

ClinVar aggregate classification (germline): Uncertain significance (1 of 4 stars; one submission).

Conditions:
Primary familial hypertrophic cardiomyopathy (HCM). Identifiers: Orphanet 99739, MedGen C0949658, MeSH D024741, MONDO:0024573. Inheritance: Various modes of inheritance.
Dilated cardiomyopathy 1AA (CMD1AA). Also called: CARDIOMYOPATHY, DILATED, 1AA, WITH OR WITHOUT LEFT VENTRICULAR NONCOMPACTION; CARDIOMYOPATHY, FAMILIAL HYPERTROPHIC, 23, WITH OR WITHOUT LEFT VENTRICULAR NONCOMPACTION; Cardiomyopathy, dilated, 1AA, with or without LVNC. Identifiers: Orphanet 154, MedGen C2677338, MONDO:0012808, OMIM 612158.

Submission:

Labcorp Genetics (formerly Invitae), Labcorp
Classification: Uncertain significance for Primary familial hypertrophic cardiomyopathy; Dilated cardiomyopathy 1AA. Last evaluated: 2022-08-20. Review status: criteria provided, single submitter. Criteria: Invitae Variant Classification Sherloc (09022015). Collection method: clinical testing. Allele origin: germline.
Comment: In summary, the available evidence is currently insufficient to determine the role of this variant in disease. Therefore, it has been classified as a Variant of Uncertain Significance. Experimental studies and prediction algorithms are not available or were not evaluated, and the functional significance of this variant is currently unknown. This variant has not been reported in the literature in individuals affected with ACTN2-related conditions. This variant is a gross deletion of the genomic region encompassing exon(s) 10 of the ACTN2 gene. This variant would be expected to be in-frame, preserving the integrity of the reading frame.

NC_000001.10:g.(?_236902582)_(236902852_?)del

Gene: ACTN2 (actinin alpha 2; plus strand). Cytogenetic location: 1q43.
Variant type: Deletion.
Identifiers: ClinVar variation 2423716 (VCV002423716.3).